The following is an entry in ClinVar:

NM_004629.2(FANCG):c.830C>T (p.Ser277Leu)

Gene: FANCG (FA complementation group G; minus strand). Cytogenetic location: 9p13.3.
Variant type: single nucleotide variant.
Coding change: c.830C>T on transcript NM_004629.2 (MANE Select); coding-DNA position 830, C replaced by T.
Protein change: p.Ser277Leu; replaces serine 277 with leucine.
Molecular consequence: missense variant.
Genome position (GRCh38, 1-based): chr9:35,076,818, G>A on the plus strand (C>T on the coding strand, the complement: FANCG is on the minus strand). VCF-style: chr9-35076818-G-A. GRCh37 (hg19) VCF-style: chr9-35076815-G-A.
Other names: short protein forms S277L.
Identifiers: ClinVar variation 3597288 (VCV003597288.2).

ClinVar aggregate classification (germline): Uncertain significance. Review status: criteria provided, multiple submitters, no conflicts (2 of 4 stars). 2 submissions from 2 submitters: Uncertain significance (2). Last evaluated 2025-04-21.

Conditions:
Fanconi anemia (FA). Also called: Fanconi's anemia. Identifiers: Orphanet 84, MedGen C0015625, MeSH D005199, MONDO:0019391.
Fanconi anemia complementation group G. Also called: FANCG-Related Fanconi Anemia; Fanconi anemia group G. Identifiers: Orphanet 84, MedGen C3469527, MONDO:0013565, OMIM 614082.

Submissions (2):

Labcorp Genetics (formerly Invitae), Labcorp
Classification: Uncertain significance for Fanconi anemia. Last evaluated: 2025-04-21. Review status: criteria provided, single submitter. Criteria: Invitae Variant Classification Sherloc (09022015). Collection method: clinical testing. Allele origin: germline.
Comment: This sequence change replaces serine, which is neutral and polar, with leucine, which is neutral and non-polar, at codon 277 of the FANCG protein (p.Ser277Leu). This variant is not present in population databases (gnomAD no frequency). This variant has not been reported in the literature in individuals affected with FANCG-related conditions. ClinVar contains an entry for this variant (Variation ID: 3597288). Invitae Evidence Modeling of protein sequence and biophysical properties (such as structural, functional, and spatial information, amino acid conservation, physicochemical variation, residue mobility, and thermodynamic stability) indicates that this missense variant is not expected to disrupt FANCG protein function with a negative predictive value of 80%. In summary, the available evidence is currently insufficient to determine the role of this variant in disease. Therefore, it has been classified as a Variant of Uncertain Significance.

Fulgent Genetics
Classification: Uncertain significance for Fanconi anemia complementation group G. Last evaluated: 2024-04-08. Review status: criteria provided, single submitter. Criteria: ACMG Guidelines, 2015. Collection method: clinical testing. Allele origin: germline.